The following is an entry in ClinVar:

ClinVar aggregate classification (germline): Conflicting classifications of pathogenicity. Review status: criteria provided, conflicting classifications (1 of 4 stars). 5 submissions from 5 submitters: Likely pathogenic (1); Uncertain significance (4). Last evaluated 2025-04-08.

Conditions:
Ellis-van Creveld syndrome (EVC). Also called: Chondroectodermal dysplasia; MESOECTODERMAL DYSPLASIA. Identifiers: Orphanet 289, MedGen C0013903, MONDO:0009162, OMIM 225500.
Curry-Hall syndrome (WAD). Also called: WEYERS ACRODENTAL DYSOSTOSIS. Identifiers: Orphanet 952, MedGen C0457013, MONDO:0008673, OMIM 193530.

Allele frequency attached by ClinVar (database versions not stated): ExAC 0.00003; gnomAD exomes 0.00004; gnomAD 0.00006 and 0.00007; TOPMed 0.00007; ESP Exome Variant Server 0.00008.
gnomAD v4.1: 63 of 1,614,000 alleles (0.0039%); highest among the groups gnomAD compares: Middle Eastern, 0.016%; no homozygotes.

Submissions (5):

Women's Health and Genetics/Laboratory Corporation of America, LabCorp
Classification: Likely pathogenic for Ellis-van Creveld syndrome. Last evaluated: 2025-04-08. Review status: criteria provided, single submitter. Criteria: LabCorp Variant Classification Summary - May 2015. Collection method: clinical testing. Allele origin: germline.
Comment: Variant summary: EVC2 c.1470+3A>T alters a conserved nucleotide located close to a canonical splice site and therefore could affect mRNA splicing, leading to a significantly altered protein sequence. Several computational tools predict a significant impact on normal splicing: Two predict the variant weakens a 5' donor site. Two predict the variant abolishes a canonical 5' splicing donor site. At least one publication reports experimental evidence that this variant affects mRNA splicing (Altunoglu_2024). The variant allele was found at a frequency of 4e-05 in 251176 control chromosomes. This frequency is not significantly higher than estimated for a pathogenic variant in EVC2 causing Ellis-van Creveld syndrome (4e-05 vs 0.0029), allowing no conclusion about variant significance. c.1470+3A>T has been reported in the literature in a homozygous individual affected with Ellis-van Creveld syndrome (example:Altunoglu_2024). These data indicate that the variant may be associated with disease. ClinVar contains an entry for this variant (Variation ID: 574066). Based on the evidence outlined above, the variant was classified as likely pathogenic.

Labcorp Genetics (formerly Invitae), Labcorp
Classification: Uncertain significance for Curry-Hall syndrome; Ellis-van Creveld syndrome. Last evaluated: 2024-11-11. Review status: criteria provided, single submitter. Criteria: Invitae Variant Classification Sherloc (09022015). Collection method: clinical testing. Allele origin: germline.
Comment: This sequence change falls in intron 10 of the EVC2 gene. It does not directly change the encoded amino acid sequence of the EVC2 protein. It affects a nucleotide within the consensus splice site. This variant is present in population databases (rs370769794, gnomAD 0.009%). This variant has not been reported in the literature in individuals affected with EVC2-related conditions. ClinVar contains an entry for this variant (Variation ID: 574066). Variants that disrupt the consensus splice site are a relatively common cause of aberrant splicing (PMID: 17576681, 9536098). Algorithms developed to predict the effect of sequence changes on RNA splicing suggest that this variant may disrupt the consensus splice site. In summary, the available evidence is currently insufficient to determine the role of this variant in disease. Therefore, it has been classified as a Variant of Uncertain Significance.

Blueprint Genetics
Classification: Uncertain significance. Last evaluated: 2024-07-30. Review status: criteria provided, single submitter. Criteria: ACMG Guidelines, 2015. Collection method: clinical testing. Allele origin: germline.

Laboratory of Inherited Metabolic Diseases, Research centre for medical genetics
Classification: Uncertain significance for Ellis-van Creveld syndrome. Last evaluated: 2022-04-01. Review status: criteria provided, single submitter. Criteria: ACMG Guidelines, 2015. Collection method: clinical testing. Allele origin: germline. Affected: yes. Observed: 2 variant alleles.

Fulgent Genetics
Classification: Uncertain significance for Curry-Hall syndrome; Ellis-van Creveld syndrome. Last evaluated: 2018-10-31. Review status: criteria provided, single submitter. Criteria: ACMG Guidelines, 2015. Collection method: clinical testing. Allele origin: unknown.

Literature cited by the submitters: PubMed 38531627 (cited by Women's Health and Genetics/Laboratory Corporation of America, LabCorp); PubMed 17576681 (cited by Labcorp Genetics (formerly Invitae), Labcorp); PubMed 9536098 (cited by Labcorp Genetics (formerly Invitae), Labcorp).

NM_147127.5(EVC2):c.1470+3A>T

Genes: EVC2 (EvC ciliary complex subunit 2; minus strand), LOC126806961 (BRD4-independent group 4 enhancer GRCh37_chr4:5641443-5642642; plus strand). Cytogenetic location: 4p16.2.
Variant type: single nucleotide variant.
Coding change: c.1470+3A>T on transcript NM_147127.5 (MANE Select); 3 bases into the intron after coding-DNA position 1470, A replaced by T.
Molecular consequence: intron variant.
Genome position (GRCh38, 1-based): chr4:5,640,511, T>A on the plus strand (A>T on the coding strand, the complement: EVC2 is on the minus strand). VCF-style: chr4-5640511-T-A. GRCh37 (hg19) VCF-style: chr4-5642238-T-A.
Other names: c.1230+3A>T (NM_001166136.2).
Identifiers: ClinVar variation 574066 (VCV000574066.12), dbSNP rs370769794, ClinGen allele CA2835058.